The following is an entry in ClinVar:

ClinVar aggregate classification (germline): Likely benign (1 of 4 stars; one submission).

Conditions:
DICER1-related tumor predisposition. Also called: DICER1 syndrome; DICER1-related pleuropulmonary blastoma cancer predisposition syndrome. Identifiers: Orphanet 284343, MedGen C3839822, MONDO:0100216.

Submission:

Myriad Genetics, Inc.
Classification: Likely benign for DICER1-related tumor predisposition. Last evaluated: 2026-04-14. Review status: criteria provided, single submitter. Criteria: Myriad Autosomal Dominant, Autosomal Recessive and X-Linked Classification Criteria (2023). Collection method: clinical testing. Allele origin: unknown.
Comment: This variant is considered likely benign. This variant is intronic and is not expected to impact mRNA splicing.

NM_177438.3(DICER1):c.5096-12G>T

Gene: DICER1 (dicer 1, ribonuclease III; minus strand). Cytogenetic location: 14q32.13.
Variant type: single nucleotide variant.
Coding change: c.5096-12G>T on transcript NM_177438.3 (MANE Select); 12 bases into the intron before coding-DNA position 5096, G replaced by T.
Molecular consequence: intron variant.
Genome position (GRCh38, 1-based): chr14:95,094,168, C>A on the plus strand (G>T on the coding strand, the complement: DICER1 is on the minus strand). VCF-style: chr14-95094168-C-A. GRCh37 (hg19) VCF-style: chr14-95560505-C-A.
Other names: c.5096-12G>T (NM_001291628.2, NM_030621.4, NM_001395677.1 and 8 more transcripts); c.4691-12G>T (NM_001395690.1, NM_001395687.1, NM_001395689.1 and 1 more transcripts); c.4814-12G>T (NM_001395686.1); c.4529-12G>T (NM_001395691.1); c.3413-12G>T (NM_001395697.1).
Identifiers: ClinVar variation 4875976 (VCV004875976.1).